The following is an entry in ClinVar:

ClinVar aggregate classification (germline): Uncertain significance (1 of 4 stars; one submission).

Submission:

CeGaT Center for Human Genetics Tuebingen
Classification: Uncertain significance. Last evaluated: 2026-07-01. Review status: criteria provided, single submitter. Criteria: CeGaT Center For Human Genetics Tuebingen Variant Classification Criteria Version 2. Collection method: clinical testing. Allele origin: germline. Affected: yes. Observed: 1 variant allele.
Comment: MYO7A: PM1, PM2

NM_000260.4(MYO7A):c.478_481delinsACTT (p.Ser160_Gly161delinsThrTrp)

Gene: MYO7A (myosin VIIA; plus strand). Cytogenetic location: 11q13.5.
Variant type: Indel.
Coding change: c.478_481delinsACTT on transcript NM_000260.4 (MANE Select); coding-DNA positions 478 to 481, TCTG replaced by ACTT.
Protein change: p.Ser160_Gly161delinsThrTrp.
Molecular consequence: missense variant.
Genome position (GRCh38, 1-based): chr11:77,156,667-77,156,670, TCTG replaced by ACTT. VCF-style: chr11-77156667-TCTG-ACTT. GRCh37 (hg19) VCF-style: chr11-76867713-TCTG-ACTT.
Other names: c.478_481delinsACTT, p.Ser160_Gly161delinsThrTrp (NM_001127180.2); c.445_448delinsACTT, p.Ser149_Gly150delinsThrTrp (NM_001369365.1).
Identifiers: ClinVar variation 5040754 (VCV005040754.1).